The following is an entry in ClinVar:

ClinVar aggregate classification (germline): Uncertain significance (1 of 4 stars; one submission).

Allele frequency attached by ClinVar (database versions not stated): TOPMed 0.00001.

Submission:

Labcorp Genetics (formerly Invitae), Labcorp
Classification: Uncertain significance. Last evaluated: 2021-05-04. Review status: criteria provided, single submitter. Criteria: Invitae Variant Classification Sherloc (09022015). Collection method: clinical testing. Allele origin: germline.
Comment: In summary, the available evidence is currently insufficient to determine the role of this variant in disease. Therefore, it has been classified as a Variant of Uncertain Significance. Algorithms developed to predict the effect of missense changes on protein structure and function (SIFT, PolyPhen-2, Align-GVGD) all suggest that this variant is likely to be tolerated, but these predictions have not been confirmed by published functional studies and their clinical significance is uncertain. This variant has not been reported in the literature in individuals with IMPAD1-related conditions. This variant is not present in population databases (ExAC no frequency). This sequence change replaces aspartic acid with alanine at codon 79 of the IMPAD1 protein (p.Asp79Ala). The aspartic acid residue is weakly conserved and there is a moderate physicochemical difference between aspartic acid and alanine.

NM_017813.5(BPNT2):c.236A>C (p.Asp79Ala)

Gene: BPNT2 (3'(2'), 5'-bisphosphate nucleotidase 2; minus strand). Cytogenetic location: 8q12.1.
Variant type: single nucleotide variant.
Coding change: c.236A>C on transcript NM_017813.5 (MANE Select); coding-DNA position 236, A replaced by C.
Protein change: p.Asp79Ala; replaces aspartic acid 79 with alanine.
Molecular consequence: missense variant.
Genome position (GRCh38, 1-based): chr8:56,993,350, T>G on the plus strand (A>C on the coding strand, the complement: BPNT2 is on the minus strand). VCF-style: chr8-56993350-T-G. GRCh37 (hg19) VCF-style: chr8-57905909-T-G.
Other names: short protein forms D79A.
Identifiers: ClinVar variation 1681107 (VCV001681107.8), dbSNP rs756692741, ClinGen allele CA177768212.